The following is an entry in ClinVar:

NM_000350.3(ABCA4):c.769-210G>A

Gene: ABCA4 (ATP binding cassette subfamily A member 4; minus strand). Cytogenetic location: 1p22.1.
Variant type: single nucleotide variant.
Coding change: c.769-210G>A on transcript NM_000350.3 (MANE Select); 210 bases into the intron before coding-DNA position 769, G replaced by A.
Molecular consequence: intron variant.
Genome position (GRCh38, 1-based): chr1:94,083,651, C>T on the plus strand (G>A on the coding strand, the complement: ABCA4 is on the minus strand). VCF-style: chr1-94083651-C-T. GRCh37 (hg19) VCF-style: chr1-94549207-C-T.
Identifiers: ClinVar variation 679570 (VCV000679570.1), dbSNP rs185566364, ClinGen allele CA26873756.

ClinVar aggregate classification (germline): Likely benign (1 of 4 stars; one submission).

Allele frequency attached by ClinVar (database versions not stated): 1000 Genomes Project 0.00160; 1000 Genomes Project 30x 0.00172; gnomAD 0.00240 and 0.00266; TOPMed 0.00262.
gnomAD v4.1: 363 of 152,288 alleles (0.24%); highest among the groups gnomAD compares: African/African-American, 0.84%; no homozygotes.

Submission:

GeneDx
Classification: Likely benign. Last evaluated: 2018-06-19. Review status: criteria provided, single submitter. Criteria: GeneDx Variant Classification (06012015). Collection method: clinical testing. Allele origin: germline. Affected: yes.
Comment: This variant is considered likely benign or benign based on one or more of the following criteria: it is a conservative change, it occurs at a poorly conserved position in the protein, it is predicted to be benign by multiple in silico algorithms, and/or has population frequency not consistent with disease.